The following is an entry in ClinVar:

NM_012330.4(KAT6B):c.4997G>T (p.Gly1666Val)

Gene: KAT6B (lysine acetyltransferase 6B; plus strand). Cytogenetic location: 10q22.2.
Variant type: single nucleotide variant.
Coding change: c.4997G>T on transcript NM_012330.4 (MANE Select); coding-DNA position 4997, G replaced by T.
Protein change: p.Gly1666Val; replaces glycine 1666 with valine.
Molecular consequence: missense variant.
Genome position (GRCh38, 1-based): chr10:75,029,821, G>T. VCF-style: chr10-75029821-G-T. GRCh37 (hg19) VCF-style: chr10-76789579-G-T.
Other names: c.3932G>T, p.Gly1311Val (NM_001370143.1, NM_001370144.1); c.4448G>T, p.Gly1483Val (NM_001256468.2, NM_001370138.1); c.4121G>T, p.Gly1374Val (NM_001256469.2, NM_001370139.1, NM_001370140.1 and 2 more transcripts); c.3959G>T, p.Gly1320Val (NM_001370132.1); c.3308G>T, p.Gly1103Val (NM_001370133.1); c.2912G>T, p.Gly971Val (NM_001370134.1); c.2654G>T, p.Gly885Val (NM_001370135.1); c.4997G>T, p.Gly1666Val (NM_001370136.1, NM_001370137.1); short protein forms G1103V, G1311V, G1320V, G1374V, G1483V, G1666V, G885V, G971V.
Identifiers: ClinVar variation 3573696 (VCV003573696.2).

ClinVar aggregate classification (germline): Uncertain significance (1 of 4 stars; one submission).

Submission:

GeneDx
Classification: Uncertain significance. Last evaluated: 2026-04-17. Review status: criteria provided, single submitter. Criteria: GeneDx Variant Classification Process June 2021. Collection method: clinical testing. Allele origin: germline.
Comment: Not observed at significant frequency in large population cohorts (gnomAD); In silico analysis supports that this missense variant has a deleterious effect on protein structure/function; Has not been previously published as pathogenic or benign to our knowledge